The following is an entry in ClinVar:

ClinVar aggregate classification (germline): Uncertain significance. Review status: criteria provided, multiple submitters, no conflicts (2 of 4 stars). 2 submissions from 2 submitters: Uncertain significance (2). Last evaluated 2025-10-22.

Allele frequency attached by ClinVar (database versions not stated): gnomAD 0.00001; TOPMed 0.00002; ExAC 0.00008.
gnomAD v4.1: 5 of 1,560,864 alleles (0.00032%); highest among the groups gnomAD compares: East Asian, 0.0024%; no homozygotes.

Submissions (2):

Labcorp Genetics (formerly Invitae), Labcorp
Classification: Uncertain significance. Last evaluated: 2025-10-22. Review status: criteria provided, single submitter. Criteria: Invitae Variant Classification Sherloc (09022015). Collection method: clinical testing. Allele origin: germline.
Comment: This sequence change replaces valine, which is neutral and non-polar, with methionine, which is neutral and non-polar, at codon 172 of the USH1C protein (p.Val172Met). The frequency data for this variant in the population databases is considered unreliable, as metrics indicate poor data quality at this position in the gnomAD database. This variant has not been reported in the literature in individuals affected with USH1C-related conditions. ClinVar contains an entry for this variant (Variation ID: 2196519). An algorithm developed to predict the effect of missense changes on protein structure and function (PolyPhen-2) suggests that this variant is likely to be disruptive. In summary, the available evidence is currently insufficient to determine the role of this variant in disease. Therefore, it has been classified as a Variant of Uncertain Significance.

Blueprint Genetics
Classification: Uncertain significance. Last evaluated: 2019-09-13. Review status: criteria provided, single submitter. Criteria: ACMG Guidelines, 2015. Collection method: clinical testing. Allele origin: germline.

NM_153676.4(USH1C):c.514G>A (p.Val172Met)

Gene: USH1C (USH1 protein network component harmonin; minus strand). Cytogenetic location: 11p15.1.
Variant type: single nucleotide variant.
Coding change: c.514G>A on transcript NM_153676.4 (MANE Select); coding-DNA position 514, G replaced by A.
Protein change: p.Val172Met; replaces valine 172 with methionine.
Molecular consequence: missense variant. On other transcripts: non-coding transcript variant (1).
Genome position (GRCh38, 1-based): chr11:17,527,023, C>T on the plus strand (G>A on the coding strand, the complement: USH1C is on the minus strand). VCF-style: chr11-17527023-C-T. GRCh37 (hg19) VCF-style: chr11-17548570-C-T.
Other names: c.514G>A, p.Val172Met (NM_001297764.2, NM_005709.4); short protein forms V172M.
Identifiers: ClinVar variation 2196519 (VCV002196519.3), dbSNP rs748703138, ClinGen allele CA5905000.